The following is an entry in ClinVar:

NM_000944.5(PPP3CA):c.11C>A (p.Pro4His)

Gene: PPP3CA (protein phosphatase 3 catalytic subunit alpha; minus strand). Cytogenetic location: 4q24.
Variant type: single nucleotide variant.
Coding change: c.11C>A on transcript NM_000944.5 (MANE Select); coding-DNA position 11, C replaced by A.
Protein change: p.Pro4His; replaces proline 4 with histidine.
Molecular consequence: missense variant.
Genome position (GRCh38, 1-based): chr4:101,346,786, G>T on the plus strand (C>A on the coding strand, the complement: PPP3CA is on the minus strand). VCF-style: chr4-101346786-G-T. GRCh37 (hg19) VCF-style: chr4-102267943-G-T.
Other names: c.11C>A, p.Pro4His (NM_001130691.2, NM_001130692.2); short protein forms P4H.
Identifiers: ClinVar variation 3016567 (VCV003016567.3), dbSNP rs749627735, ClinGen allele CA357949654.
Genomic context (GRCh38, chr4:101,346,786, plus strand): 5'-GCGCTCCGCTTACCTTTCACCACCCTGTCGGTCGTCGACAACTTGGGATCAATTGCCTTG[G>T]GCTCGGACATCTCCAGCTGCCGGAGGACAGCGACGCGCTGCTCGTCCGTCCGACTGCACA-3'
Protein context (NP_000935.1, residues 1-14): MSE[Pro4His]KAIDPKLSTT

ClinVar aggregate classification (germline): Uncertain significance (1 of 4 stars; one submission).

Allele frequency attached by ClinVar (database versions not stated): TOPMed below 0.00001.
gnomAD v4.1: 1 of 1,611,380 alleles (0.000062%); highest among the groups gnomAD compares: Middle Eastern, 0.017%; no homozygotes.

Submission:

Labcorp Genetics (formerly Invitae), Labcorp
Classification: Uncertain significance. Last evaluated: 2023-10-18. Review status: criteria provided, single submitter. Criteria: Invitae Variant Classification Sherloc (09022015). Collection method: clinical testing. Allele origin: germline.
Comment: This sequence change replaces proline, which is neutral and non-polar, with histidine, which is basic and polar, at codon 4 of the PPP3CA protein (p.Pro4His). This variant is not present in population databases (gnomAD no frequency). This variant has not been reported in the literature in individuals affected with PPP3CA-related conditions. Algorithms developed to predict the effect of missense changes on protein structure and function output the following: SIFT: "Not Available"; PolyPhen-2: "Benign"; Align-GVGD: "Not Available". The histidine amino acid residue is found in multiple mammalian species, which suggests that this missense change does not adversely affect protein function. In summary, the available evidence is currently insufficient to determine the role of this variant in disease. Therefore, it has been classified as a Variant of Uncertain Significance.